The following is an entry in ClinVar:

NM_000169.3(GLA):c.490G>A (p.Val164Ile)

Genes: GLA (galactosidase alpha; minus strand), RPL36A-HNRNPH2 (RPL36A-HNRNPH2 readthrough; plus strand). Cytogenetic location: Xq22.1.
Variant type: single nucleotide variant.
Coding change: c.490G>A on transcript NM_000169.3 (MANE Select); coding-DNA position 490, G replaced by A.
Protein change: p.Val164Ile; replaces valine 164 with isoleucine.
Molecular consequence: missense variant. On other transcripts: non-coding transcript variant (3), intron variant (2).
Genome position (GRCh38, 1-based): chrX:101,401,689, C>T on the plus strand (G>A on the coding strand, the complement: GLA is on the minus strand). VCF-style: chrX-101401689-C-T. GRCh37 (hg19) VCF-style: chrX-100656677-C-T.
Other names: c.300+6232C>T (NM_001199973.2); c.177+9867C>T (NM_001199974.2); c.613G>A, p.Val205Ile (NM_001406747.1, NM_001406749.1); c.490G>A, p.Val164Ile (NM_001406748.1); short protein forms V164I, V205I.
Identifiers: ClinVar variation 1008470 (VCV001008470.10), dbSNP rs869312144, ClinGen allele CA413929139.
Genomic context (GRCh38, chrX:101,401,689, plus strand): 5'-TACCATCTGCCAAATTTTCCAAACTGTCACAGTAACAACCATCAAATTTTAGCAGATCTA[C>T]TCCCCAGTCAGCAAAGGTCTGGGCATCAATGTCGTAGTATCCAAAACTCCCAGGGAAGCC-3'
Protein context (NP_000160.1, residues 154-174): IDAQTFADWG[Val164Ile]DLLKFDGCYC

ClinVar aggregate classification (germline): Uncertain significance. Review status: criteria provided, multiple submitters, no conflicts (2 of 4 stars). 2 submissions from 2 submitters: Uncertain significance (2). Last evaluated 2024-04-04.

Conditions:
Fabry disease. Also called: ALPHA-GALACTOSIDASE A DEFICIENCY; ANDERSON-FABRY DISEASE; CERAMIDE TRIHEXOSIDASE DEFICIENCY; GLA DEFICIENCY; HEREDITARY DYSTOPIC LIPIDOSIS; Fabry's disease. Identifiers: Orphanet 324, MedGen C0002986, MONDO:0010526, OMIM 301500, HP:0001071. Disease mechanism: Fabry disease is due to inactivating mutations in the X-linked GLA gene resulting in deficiency of the enzyme Alpha Galactosidase-A., loss of function.

Allele frequency attached by ClinVar (database versions not stated): gnomAD exomes 0.00001.
gnomAD v4.1: 4 of 1,210,436 alleles (0.00033%); highest among the groups gnomAD compares: South Asian, 0.007%; no homozygotes.

Submissions (2):

Genomic Medicine Center of Excellence, King Faisal Specialist Hospital and Research Centre
Classification: Uncertain significance. Last evaluated: 2024-04-04. Review status: criteria provided, single submitter. Criteria: ACMG Guidelines, 2015. Collection method: clinical testing. Allele origin: germline.

Labcorp Genetics (formerly Invitae), Labcorp
Classification: Uncertain significance for Fabry disease. Last evaluated: 2020-10-06. Review status: criteria provided, single submitter. Criteria: Invitae Variant Classification Sherloc (09022015). Collection method: clinical testing. Allele origin: germline.
Comment: This sequence change replaces valine with isoleucine at codon 164 of the GLA protein (p.Val164Ile). The valine residue is highly conserved and there is a small physicochemical difference between valine and isoleucine. In summary, the available evidence is currently insufficient to determine the role of this variant in disease. Therefore, it has been classified as a Variant of Uncertain Significance. Algorithms developed to predict the effect of missense changes on protein structure and function output the following: SIFT: "Deleterious"; PolyPhen-2: "Benign"; Align-GVGD: "Class C25". The isoleucine amino acid residue is found in multiple mammalian species, suggesting that this missense change does not adversely affect protein function. These predictions have not been confirmed by published functional studies and their clinical significance is uncertain. This variant has not been reported in the literature in individuals with GLA-related conditions. This variant is not present in population databases (ExAC no frequency).